The following is an entry in ClinVar:

NM_017849.4(TMEM127):c.113_115delinsGG (p.Ala38fs)

Genes: TMEM127 (transmembrane protein 127; minus strand), LOC129934333 (ATAC-STARR-seq lymphoblastoid silent region 11759; plus strand). Cytogenetic location: 2q11.2.
Variant type: Indel.
Coding change: c.113_115delinsGG on transcript NM_017849.4 (MANE Select); coding-DNA positions 113 to 115, CCC replaced by GG.
Protein change: p.Ala38fs; shifts the reading frame from alanine 38.
Molecular consequence: frameshift variant. On other transcripts: intron variant (1).
Genome position (GRCh38, 1-based): chr2:96,265,267-96,265,269, GGG replaced by CC on the plus strand (CCC replaced by GG on the coding strand, the reverse complement: TMEM127 is on the minus strand). VCF-style: chr2-96265267-GGG-CC. GRCh37 (hg19) VCF-style: chr2-96931005-GGG-CC.
Other names: c.113_115delinsGG, p.Ala38fs (NM_001193304.3); c.-9+600_-9+602delinsGG (NM_001407283.1); short protein forms A38fs.
Identifiers: ClinVar variation 4841660 (VCV004841660.1).

ClinVar aggregate classification (germline): Pathogenic (1 of 4 stars; one submission).

Conditions:
Hereditary cancer-predisposing syndrome. Also called: Neoplastic Syndromes, Hereditary; Tumor predisposition; Hereditary Cancer Syndrome; Hereditary neoplastic syndrome. Identifiers: Orphanet 140162, MedGen C0027672, MeSH D009386, MONDO:0015356.

Submission:

Ambry Genetics
Classification: Pathogenic for Hereditary cancer-predisposing syndrome. Last evaluated: 2025-12-17. Review status: criteria provided, single submitter. Criteria: Ambry Variant Classification Scheme 2023. Collection method: clinical testing. Allele origin: germline.
Comment: The c.113_115delCCCinsGG pathogenic mutation, located in coding exon 1 of the TMEM127 gene, results from the deletion of three nucleotides and insertion of two nucleotides causing a translational frameshift with a predicted alternate stop codon (p.A38Gfs*43). This variant is considered to be rare based on population cohorts in the Genome Aggregation Database (gnomAD). This alteration is expected to result in loss of function by premature protein truncation or nonsense-mediated mRNA decay. As such, this alteration is interpreted as a disease-causing mutation.